The following is an entry in ClinVar:

NM_001421.4(ELF4):c.1810C>T (p.Arg604Cys)

Gene: ELF4 (E74 like ETS transcription factor 4; minus strand). Cytogenetic location: Xq26.1.
Variant type: single nucleotide variant.
Coding change: c.1810C>T on transcript NM_001421.4 (MANE Select); coding-DNA position 1810, C replaced by T.
Protein change: p.Arg604Cys; replaces arginine 604 with cysteine.
Molecular consequence: missense variant.
Genome position (GRCh38, 1-based): chrX:130,066,903, G>A on the plus strand (C>T on the coding strand, the complement: ELF4 is on the minus strand). VCF-style: chrX-130066903-G-A. GRCh37 (hg19) VCF-style: chrX-129200878-G-A.
Other names: c.1810C>T, p.Arg604Cys (NM_001127197.2); short protein forms R604C.
Identifiers: ClinVar variation 784732 (VCV000784732.9), dbSNP rs141284451, ClinGen allele CA10514897.

ClinVar aggregate classification (germline): Benign. Review status: criteria provided, multiple submitters, no conflicts (2 of 4 stars). 5 submissions from 5 submitters: Benign (2). 3 of the submissions do not count toward it. Last evaluated 2019-12-31.

Conditions:
ELF4-related disorder. Also called: ELF4-related condition.

Allele frequency attached by ClinVar (database versions not stated): 1000 Genomes Project 0.00132; gnomAD 0.00242 and 0.00240; 1000 Genomes Project 30x 0.00104; gnomAD exomes 0.00262 and 0.00416; ESP Exome Variant Server 0.00256; ExAC 0.00304; TOPMed 0.00209.
gnomAD v4.1: 4,775 of 1,210,628 alleles (0.39%); highest among the groups gnomAD compares: Non-Finnish European, 0.49%; 13 homozygotes.

Submissions (5):

Labcorp Genetics (formerly Invitae), Labcorp
Classification: Benign. Last evaluated: 2019-12-31. Review status: criteria provided, single submitter. Criteria: Invitae Variant Classification Sherloc (09022015). Collection method: clinical testing. Allele origin: germline.

Breakthrough Genomics
Classification: Benign. Review status: criteria provided, single submitter. Criteria: ACMG Guidelines, 2015. Collection method: not provided. Allele origin: germline. Inheritance: X-linked inheritance. Affected: yes.

PreventionGenetics, part of Exact Sciences
Classification: Likely benign for ELF4-related condition. Last evaluated: 2022-06-16. Review status: no assertion criteria provided. Collection method: clinical testing. Allele origin: germline. Not counted in ClinVar's aggregate classification.
Comment: This variant is classified as likely benign based on ACMG/AMP sequence variant interpretation guidelines (Richards et al. 2015 PMID: 25741868, with internal and published modifications).

Clinical Genetics DNA and cytogenetics Diagnostics Lab, Erasmus MC, Erasmus Medical Center
Classification: Likely benign. Review status: no assertion criteria provided. Collection method: clinical testing. Allele origin: germline. Affected: yes. Study: VKGL Data-share Consensus. Not counted in ClinVar's aggregate classification.

Laboratory of Diagnostic Genome Analysis, Leiden University Medical Center (LUMC)
Classification: Likely benign. Review status: no assertion criteria provided. Collection method: clinical testing. Allele origin: germline. Affected: yes. Study: VKGL Data-share Consensus. Not counted in ClinVar's aggregate classification.